The following is an entry in ClinVar:

ClinVar aggregate classification (germline): Pathogenic (1 of 4 stars; one submission).

Conditions:
Hereditary cancer-predisposing syndrome. Also called: Neoplastic Syndromes, Hereditary; Tumor predisposition; Hereditary Cancer Syndrome; Hereditary neoplastic syndrome. Identifiers: Orphanet 140162, MedGen C0027672, MeSH D009386, MONDO:0015356.

Submission:

Ambry Genetics
Classification: Pathogenic for Hereditary cancer-predisposing syndrome. Last evaluated: 2020-02-05. Review status: criteria provided, single submitter. Criteria: Ambry Variant Classification Scheme 2023. Collection method: clinical testing. Allele origin: germline.
Comment: The c.1821_1899del79 pathogenic mutation, located in coding exon 4 of the MSH6 gene, results from a deletion of 79 nucleotides at nucleotide positions 1821 to 1899, causing a translational frameshift with a predicted alternate stop codon (p.I608*). This alteration is expected to result in loss of function by premature protein truncation or nonsense-mediated mRNA decay. As such, this alteration is interpreted as a disease-causing mutation.

NM_000179.3(MSH6):c.1821_1899del (p.Thr607_Ile608insTer)

Gene: MSH6 (mutS homolog 6; plus strand). Cytogenetic location: 2p16.3.
Variant type: Deletion.
Coding change: c.1821_1899del on transcript NM_000179.3 (MANE Select); coding-DNA positions 1821 to 1899, 79 bases deleted.
Protein change: p.Thr607_Ile608insTer.
Molecular consequence: frameshift variant. On other transcripts: nonsense (34).
Genome position (GRCh38, 1-based): chr2:47,799,804-47,799,882, 79 bases deleted. GRCh37 (hg19): chr2:48,026,943-48,027,021.
Other names: c.1431_1509del, p.Thr477_Ile478insTer (NM_001281492.2); c.915_993del, p.Thr305_Ile306insTer (NM_001281493.2, NM_001281494.2); c.1917_1995del79, p.Ile640Terfs (NM_001406795.1, NM_001406802.1); c.1821_1899del79, p.Ile608Terfs (NM_001406796.1, NM_001406798.1, NM_001406800.1 and 3 more transcripts); c.1524_1602del79, p.Ile509Terfs (NM_001406797.1, NM_001406801.1, NM_001406805.1 and 10 more transcripts); c.1296_1374del79, p.Ile433Terfs (NM_001406799.1, NM_001406806.1, NM_001406807.1); c.1743_1821del79, p.Ile582Terfs (NM_001406804.1); c.915_993del79, p.Ile306Terfs (NM_001406811.1, NM_001406812.1, NM_001406814.1 and 4 more transcripts); and 2 more.
Identifiers: ClinVar variation 1780763 (VCV001780763.2), dbSNP rs2530632390, ClinGen allele CA2580067708.